The following is an entry in ClinVar:

ClinVar aggregate classification (germline): Uncertain significance (1 of 4 stars; one submission).

Conditions:
Spinocerebellar ataxia type 15/16 (SCA15). Also called: Spinocerebellar Ataxia Type 15. Identifiers: Orphanet 98769, MedGen C1847725, MONDO:0011694, OMIM 606658.

Allele frequency attached by ClinVar (database versions not stated): TOPMed below 0.00001.

Submission:

3billion
Classification: Uncertain significance for Spinocerebellar ataxia type 15/16. Last evaluated: 2022-09-01. Review status: criteria provided, single submitter. Criteria: ACMG Guidelines, 2015. Collection method: clinical testing. Allele origin: germline. Affected: yes. Observed: 1 heterozygote.
Comment: The variant is not observed in the gnomAD v2.1.1 dataset. Missense changes are a common disease-causing mechanism. Therefore, this variant is classified as uncertain significance according to the recommendation of ACMG/AMP guideline.

NM_001378452.1(ITPR1):c.6720G>C (p.Glu2240Asp)

Gene: ITPR1 (inositol 1,4,5-trisphosphate receptor type 1; plus strand). Cytogenetic location: 3p26.1.
Variant type: single nucleotide variant.
Coding change: c.6720G>C on transcript NM_001378452.1 (MANE Select); coding-DNA position 6720, G replaced by C.
Protein change: p.Glu2240Asp; replaces glutamic acid 2240 with aspartic acid.
Molecular consequence: missense variant.
Genome position (GRCh38, 1-based): chr3:4,788,051, G>C. VCF-style: chr3-4788051-G-C. GRCh37 (hg19) VCF-style: chr3-4829735-G-C.
Other names: c.6576G>C, p.Glu2192Asp (NM_001099952.4); c.6675G>C, p.Glu2225Asp (NM_001168272.2); c.6531G>C, p.Glu2177Asp (NM_002222.7); short protein forms E2177D, E2192D, E2225D, E2240D.
Identifiers: ClinVar variation 1705544 (VCV001705544.1), dbSNP rs889657907, ClinGen allele CA68827995.